The following is an entry in ClinVar:

NM_000059.4(BRCA2):c.352C>A (p.Arg118Ser)

Gene: BRCA2 (BRCA2 DNA repair associated; plus strand). Cytogenetic location: 13q13.1.
Variant type: single nucleotide variant.
Coding change: c.352C>A on transcript NM_000059.4 (MANE Select); coding-DNA position 352, C replaced by A.
Protein change: p.Arg118Ser; replaces arginine 118 with serine.
Molecular consequence: missense variant.
Genome position (GRCh38, 1-based): chr13:32,325,111, C>A. VCF-style: chr13-32325111-C-A. GRCh37 (hg19) VCF-style: chr13-32899248-C-A.
Other names: short protein forms R118S.
Identifiers: ClinVar variation 801103 (VCV000801103.13), dbSNP rs375125172, ClinGen allele CA387756594.

ClinVar aggregate classification (germline): Uncertain significance. Review status: criteria provided, multiple submitters, no conflicts (2 of 4 stars). 3 submissions from 3 submitters: Uncertain significance (3). Last evaluated 2025-10-21.

Conditions:
Hereditary breast ovarian cancer syndrome. Also called: BRCA1- and BRCA2-Associated Hereditary Breast and Ovarian Cancer; Hereditary breast and ovarian cancer syndrome; Hereditary breast and/or ovarian cancer syndrome; Hereditary breast and ovarian cancer; Hereditary breast and ovarian cancer syndrome (HBOC); Breast and ovarian cancer. Identifiers: Orphanet 145, MedGen C0677776, MeSH D061325, MONDO:0003582. Disease mechanism: loss of function.
Hereditary cancer-predisposing syndrome. Also called: Tumor predisposition; Neoplastic Syndromes, Hereditary; Hereditary Cancer Syndrome; Hereditary neoplastic syndrome. Identifiers: Orphanet 140162, MedGen C0027672, MeSH D009386, MONDO:0015356.

Allele frequency attached by ClinVar (database versions not stated): gnomAD 0.00003.
gnomAD v4.1: 2 of 1,607,286 alleles (0.00012%); highest among the groups gnomAD compares: African/African-American, 0.0013%; no homozygotes.

Submissions (3):

Ambry Genetics
Classification: Uncertain significance for Hereditary cancer-predisposing syndrome. Last evaluated: 2025-10-21. Review status: criteria provided, single submitter. Criteria: Ambry Variant Classification Scheme 2023. Collection method: clinical testing. Allele origin: germline.
Comment: The p.R118S variant (also known as c.352C>A), located in coding exon 3 of the BRCA2 gene, results from a C to A substitution at nucleotide position 352. The arginine at codon 118 is replaced by serine, an amino acid with dissimilar properties. This nucleotide position is not well conserved in available vertebrate species. In silico splice site analysis predicts that this alteration may weaken the native splice acceptor site; however, direct evidence is insufficient at this time (Ambry internal data). This amino acid position is poorly conserved in available vertebrate species. In addition, this alteration is predicted to be tolerated by in silico analysis. Based on the available evidence, the clinical significance of this variant remains unclear.

Labcorp Genetics (formerly Invitae), Labcorp
Classification: Uncertain significance for Hereditary breast ovarian cancer syndrome. Last evaluated: 2025-07-24. Review status: criteria provided, single submitter. Criteria: Invitae Variant Classification Sherloc (09022015). Collection method: clinical testing. Allele origin: germline.
Comment: This sequence change replaces arginine, which is basic and polar, with serine, which is neutral and polar, at codon 118 of the BRCA2 protein (p.Arg118Ser). This variant is present in population databases (no rsID available, gnomAD 0.01%). This variant has not been reported in the literature in individuals affected with BRCA2-related conditions. ClinVar contains an entry for this variant (Variation ID: 801103). Invitae Evidence Modeling of protein sequence and biophysical properties (such as structural, functional, and spatial information, amino acid conservation, physicochemical variation, residue mobility, and thermodynamic stability) indicates that this missense variant is not expected to disrupt BRCA2 protein function with a negative predictive value of 95%. Algorithms developed to predict the effect of sequence changes on RNA splicing suggest that this variant may disrupt the consensus splice site. In summary, the available evidence is currently insufficient to determine the role of this variant in disease. Therefore, it has been classified as a Variant of Uncertain Significance.

Quest Diagnostics Nichols Institute San Juan Capistrano
Classification: Uncertain significance. Last evaluated: 2019-07-25. Review status: criteria provided, single submitter. Criteria: Quest Diagnostics criteria. Collection method: clinical testing. Allele origin: germline.

Literature cited by the submitters: PubMed 11090354 (cited by Ambry Genetics); PubMed 16495342 (cited by Ambry Genetics); PubMed 23934793 (cited by Ambry Genetics); PubMed 27257965 (cited by Ambry Genetics and Quest Diagnostics Nichols Institute San Juan Capistrano); PubMed 29884841 (cited by Ambry Genetics); PubMed 30287823 (cited by Ambry Genetics).